The following is an entry in ClinVar:

NM_001142864.4(PIEZO1):c.2696C>T (p.Thr899Met)

Genes: HSALR1 (HSP90AB1 associated lncRNA 1; plus strand), PIEZO1 (piezo type mechanosensitive ion channel component 1 (Er blood group); minus strand). Cytogenetic location: 16q24.3.
Variant type: single nucleotide variant.
Coding change: c.2696C>T on transcript NM_001142864.4 (MANE Select); coding-DNA position 2696, C replaced by T.
Protein change: p.Thr899Met; replaces threonine 899 with methionine.
Molecular consequence: missense variant.
Genome position (GRCh38, 1-based): chr16:88,732,701, G>A on the plus strand (C>T on the coding strand, the complement: PIEZO1 is on the minus strand). VCF-style: chr16-88732701-G-A. GRCh37 (hg19) VCF-style: chr16-88799109-G-A.
Other names: c.1238C>T, p.Thr413Met (NM_014745.1); short protein forms T413M, T899M.
Identifiers: ClinVar variation 2187859 (VCV002187859.26), dbSNP rs755628262, ClinGen allele CA286420851.

ClinVar aggregate classification (germline): Conflicting classifications of pathogenicity. Review status: criteria provided, conflicting classifications (1 of 4 stars). 2 submissions from 2 submitters: Uncertain significance (1); Benign (1). Last evaluated 2024-02-01.

gnomAD v4.1: 75 of 1,549,034 alleles (0.0048%); highest among the groups gnomAD compares: African/African-American, 0.0068%; no homozygotes.

Submissions (2):

CeGaT Center for Human Genetics Tuebingen
Classification: Uncertain significance. Last evaluated: 2024-02-01. Review status: criteria provided, single submitter. Criteria: CeGaT Center For Human Genetics Tuebingen Variant Classification Criteria Version 2. Collection method: clinical testing. Allele origin: germline. Affected: yes. Observed: 1 variant allele.
Comment: PIEZO1: PM2, BP4

Labcorp Genetics (formerly Invitae), Labcorp
Classification: Benign. Last evaluated: 2022-03-24. Review status: criteria provided, single submitter. Criteria: Invitae Variant Classification Sherloc (09022015). Collection method: clinical testing. Allele origin: germline.